The following is an entry in ClinVar:

ClinVar aggregate classification (germline): Uncertain significance. Review status: criteria provided, multiple submitters, no conflicts (2 of 4 stars). 2 submissions from 2 submitters: Uncertain significance (2). Last evaluated 2022-04-24.

Conditions:
Desbuquois dysplasia 1 (DBQD1). Also called: DESBUQUOIS DYSPLASIA 1, KIM VARIANT; MICROMELIC DWARFISM WITH VERTEBRAL AND METAPHYSEAL ABNORMALITIES AND ADVANCED CARPOTARSAL OSSIFICATION. Identifiers: Orphanet 1425, MedGen C4012146, MONDO:0009629, OMIM 251450.
Inborn genetic diseases. Identifiers: MedGen C0950123, MeSH D030342.

Allele frequency attached by ClinVar (database versions not stated): gnomAD exomes 0.00002 and 0.00005; ExAC 0.00003; ESP Exome Variant Server 0.00008; TOPMed 0.00009; gnomAD 0.00010 and 0.00011.
gnomAD v4.1: 88 of 1,614,072 alleles (0.0055%); highest among the groups gnomAD compares: African/African-American, 0.021%; no homozygotes.

Submissions (2):

Labcorp Genetics (formerly Invitae), Labcorp
Classification: Uncertain significance for Desbuquois dysplasia 1. Last evaluated: 2022-04-24. Review status: criteria provided, single submitter. Criteria: Invitae Variant Classification Sherloc (09022015). Collection method: clinical testing. Allele origin: germline.
Comment: This sequence change replaces proline, which is neutral and non-polar, with leucine, which is neutral and non-polar, at codon 325 of the XYLT1 protein (p.Pro325Leu). This variant is present in population databases (rs139070566, gnomAD 0.02%). This variant has not been reported in the literature in individuals affected with XYLT1-related conditions. Algorithms developed to predict the effect of missense changes on protein structure and function are either unavailable or do not agree on the potential impact of this missense change (SIFT: "Deleterious"; PolyPhen-2: "Possibly Damaging"; Align-GVGD: "Class C0"). In summary, the available evidence is currently insufficient to determine the role of this variant in disease. Therefore, it has been classified as a Variant of Uncertain Significance.

Ambry Genetics
Classification: Uncertain significance for Inborn genetic diseases. Last evaluated: 2021-07-13. Review status: criteria provided, single submitter. Criteria: Ambry Variant Classification Scheme 2023. Collection method: clinical testing. Allele origin: germline.

NM_022166.4(XYLT1):c.974C>T (p.Pro325Leu)

Gene: XYLT1 (xylosyltransferase 1; minus strand). Cytogenetic location: 16p12.3.
Variant type: single nucleotide variant.
Coding change: c.974C>T on transcript NM_022166.4 (MANE Select); coding-DNA position 974, C replaced by T.
Protein change: p.Pro325Leu; replaces proline 325 with leucine.
Molecular consequence: missense variant.
Genome position (GRCh38, 1-based): chr16:17,200,594, G>A on the plus strand (C>T on the coding strand, the complement: XYLT1 is on the minus strand). VCF-style: chr16-17200594-G-A. GRCh37 (hg19) VCF-style: chr16-17294451-G-A.
Other names: c.974C>T (NM_022166.3); short protein forms P325L.
Identifiers: ClinVar variation 1522026 (VCV001522026.6), dbSNP rs139070566, ClinGen allele CA7928056.